The following is an entry in ClinVar:

ClinVar aggregate classification (germline): Uncertain significance (1 of 4 stars; one submission).

Allele frequency attached by ClinVar (database versions not stated): gnomAD exomes below 0.00001.
gnomAD v4.1: 1 of 1,614,114 alleles (0.000062%); highest among the groups gnomAD compares: Non-Finnish European, 0.000085%; no homozygotes.

Submission:

Ambry Genetics
Classification: Uncertain significance. Last evaluated: 2021-12-11. Review status: criteria provided, single submitter. Criteria: Ambry Variant Classification Scheme 2023. Collection method: clinical testing. Allele origin: germline.
Comment: The p.P767T variant (also known as c.2299C>A), located in coding exon 1 of the MLH3 gene, results from a C to A substitution at nucleotide position 2299. The proline at codon 767 is replaced by threonine, an amino acid with highly similar properties. This amino acid position is conserved. In addition, this alteration is predicted to be tolerated by in silico analysis. Since supporting evidence is limited at this time, the clinical significance of this alteration remains unclear.

NM_001040108.2(MLH3):c.2299C>A (p.Pro767Thr)

Gene: MLH3 (mutL homolog 3; minus strand). Cytogenetic location: 14q24.3.
Variant type: single nucleotide variant.
Coding change: c.2299C>A on transcript NM_001040108.2 (MANE Select); coding-DNA position 2299, C replaced by A.
Protein change: p.Pro767Thr; replaces proline 767 with threonine.
Molecular consequence: missense variant.
Genome position (GRCh38, 1-based): chr14:75,047,357, G>T on the plus strand (C>A on the coding strand, the complement: MLH3 is on the minus strand). VCF-style: chr14-75047357-G-T. GRCh37 (hg19) VCF-style: chr14-75514060-G-T.
Other names: c.2299C>A, p.Pro767Thr (NM_014381.3); short protein forms P767T.
Identifiers: ClinVar variation 1789208 (VCV001789208.2), dbSNP rs2139565569, ClinGen allele CA390441004.